The following is an entry in ClinVar:

ClinVar aggregate classification (germline): Uncertain significance (1 of 4 stars; one submission).

Conditions:
PSEN2-related disorder. Also called: PSEN2-related condition.

Allele frequency attached by ClinVar (database versions not stated): gnomAD exomes 0.00001.

Submission:

PreventionGenetics, part of Exact Sciences
Classification: Uncertain significance for PSEN2-related condition. Last evaluated: 2023-09-05. Review status: criteria provided, single submitter. Criteria: ACMG Guidelines, 2015. Collection method: clinical testing. Allele origin: germline.
Comment: The PSEN2 c.105G>T variant is predicted to result in the amino acid substitution p.Arg35Ser. To our knowledge, this variant has not been reported in the literature. This variant is reported in 0.00088% of alleles in individuals of European (Non-Finnish) descent in gnomAD. A neighboring missense variant (c.100G>A; p.Gly34Ser) has been associated with Alzheimer’s disease and mild cognitive impairment (see for example, Jia et al. 2020. PubMed ID: 31914229). At this time, the clinical significance of the c.105G>T (p.Arg35Ser) variant is uncertain due to the absence of conclusive functional and genetic evidence.

NM_000447.3(PSEN2):c.105G>T (p.Arg35Ser)

Gene: PSEN2 (presenilin 2; plus strand). Cytogenetic location: 1q42.13.
Variant type: single nucleotide variant.
Coding change: c.105G>T on transcript NM_000447.3 (MANE Select); coding-DNA position 105, G replaced by T.
Protein change: p.Arg35Ser; replaces arginine 35 with serine.
Molecular consequence: missense variant.
Genome position (GRCh38, 1-based): chr1:226,882,012, G>T. VCF-style: chr1-226882012-G-T. GRCh37 (hg19) VCF-style: chr1-227069713-G-T.
Other names: c.105G>T, p.Arg35Ser (NM_012486.3); short protein forms R35S.
Identifiers: ClinVar variation 2630922 (VCV002630922.1), dbSNP rs1379056144, ClinGen allele CA345329364.